The following is an entry in ClinVar:

NM_173354.5(SIK1):c.836G>A (p.Arg279Gln)

Gene: SIK1 (salt inducible kinase 1; minus strand). Cytogenetic location: 21q22.3.
Variant type: single nucleotide variant.
Coding change: c.836G>A on transcript NM_173354.5 (MANE Select); coding-DNA position 836, G replaced by A.
Protein change: p.Arg279Gln; replaces arginine 279 with glutamine.
Molecular consequence: missense variant.
Genome position (GRCh38, 1-based): chr21:43,420,370, C>T on the plus strand (G>A on the coding strand, the complement: SIK1 is on the minus strand). VCF-style: chr21-43420370-C-T. GRCh37 (hg19) VCF-style: chr21-44840250-C-T.
Other names: short protein forms R279Q.
Identifiers: ClinVar variation 1763111 (VCV001763111.5), dbSNP rs373261910, ClinGen allele CA321326898.
Genomic context (GRCh38, chr21:43,420,370, plus strand): 5'-GAGGTGTAGCTGTGTGCGGAGAAGGCGGGGCAGGCGGGTCCCGGCAAGCAGGGCTCAGCC[C>T]GCATCCACCGGTGCTGCCGGATCTGGGCGATGGTGATGCGCCTGGCGGGGTCCACCACCA-3'
Protein context (NP_775490.2, residues 269-289): IAQIRQHRWM[Arg279Gln]AEPCLPGPAC

ClinVar aggregate classification (germline): Conflicting classifications of pathogenicity. Review status: criteria provided, conflicting classifications (1 of 4 stars). 2 submissions from 2 submitters: Uncertain significance (1); Likely benign (1). Last evaluated 2023-03-14.

Conditions:
Inborn genetic diseases. Identifiers: MedGen C0950123, MeSH D030342.
Developmental and epileptic encephalopathy, 30 (DEE30). Also called: Epileptic encephalopathy, early infantile, 30. Identifiers: MedGen C4225360, MONDO:0014595, OMIM 616341.

Allele frequency attached by ClinVar (database versions not stated): ExAC 0.00001; ESP Exome Variant Server 0.00008.

Submissions (2):

Labcorp Genetics (formerly Invitae), Labcorp
Classification: Uncertain significance for Developmental and epileptic encephalopathy, 30. Last evaluated: 2023-03-14. Review status: criteria provided, single submitter. Criteria: Invitae Variant Classification Sherloc (09022015). Collection method: clinical testing. Allele origin: germline.
Comment: Algorithms developed to predict the effect of missense changes on protein structure and function output the following: SIFT: "Not Available"; PolyPhen-2: "Benign"; Align-GVGD: "Not Available". The glutamine amino acid residue is found in multiple mammalian species, which suggests that this missense change does not adversely affect protein function. In summary, the available evidence is currently insufficient to determine the role of this variant in disease. Therefore, it has been classified as a Variant of Uncertain Significance. ClinVar contains an entry for this variant (Variation ID: 1763111). This variant has not been reported in the literature in individuals affected with SIK1-related conditions. This variant is present in population databases (rs373261910, gnomAD 0.003%). This sequence change replaces arginine, which is basic and polar, with glutamine, which is neutral and polar, at codon 279 of the SIK1 protein (p.Arg279Gln).

Ambry Genetics
Classification: Likely benign for Inborn genetic diseases. Last evaluated: 2017-10-25. Review status: criteria provided, single submitter. Criteria: Ambry Variant Classification Scheme 2023. Collection method: clinical testing. Allele origin: germline.